The following is an entry in ClinVar:

ClinVar aggregate classification (germline): Uncertain significance. Review status: criteria provided, multiple submitters, no conflicts (2 of 4 stars). 2 submissions from 2 submitters: Uncertain significance (2). Last evaluated 2021-05-25.

Conditions:
Generalized epilepsy with febrile seizures plus, type 7 (GEFSP7). Also called: GEFS+, TYPE 7. Identifiers: Orphanet 36387, MedGen C2751778, MONDO:0013470, OMIM 613863.
Neuropathy, hereditary sensory and autonomic, type 2A (HSAN2A). Also called: WNK1-Related HSAN2 (HSAN2A); MORVAN DISEASE; NEUROPATHY, CONGENITAL SENSORY; NEUROPATHY, HEREDITARY SENSORY RADICULAR, AUTOSOMAL RECESSIVE; NEUROPATHY, HEREDITARY SENSORY, TYPE IIA; NEUROPATHY, PROGRESSIVE SENSORY, OF CHILDREN. Identifiers: Orphanet 970, MedGen C2752089, MONDO:0024309, OMIM 201300.
Inborn genetic diseases. Identifiers: MedGen C0950123, MeSH D030342.

Submissions (2):

Ambry Genetics
Classification: Uncertain significance for Inborn genetic diseases. Last evaluated: 2021-05-25. Review status: criteria provided, single submitter. Criteria: Ambry Variant Classification Scheme 2023. Collection method: clinical testing. Allele origin: germline.
Comment: The p.P1122L variant (also known as c.3365C>T), located in coding exon 17 of the SCN9A gene, results from a C to T substitution at nucleotide position 3365. The proline at codon 1122 is replaced by leucine, an amino acid with similar properties. This amino acid position is not well conserved in available vertebrate species. In addition, this alteration is predicted to be tolerated by in silico analysis. Since supporting evidence is limited at this time, the clinical significance of this alteration remains unclear.

Labcorp Genetics (formerly Invitae), Labcorp
Classification: Uncertain significance for Neuropathy, hereditary sensory and autonomic, type 2A; Generalized epilepsy with febrile seizures plus, type 7. Last evaluated: 2021-05-09. Review status: criteria provided, single submitter. Criteria: Invitae Variant Classification Sherloc (09022015). Collection method: clinical testing. Allele origin: germline.
Comment: This sequence change replaces proline with leucine at codon 1122 of the SCN9A protein (p.Pro1122Leu). The proline residue is highly conserved and there is a moderate physicochemical difference between proline and leucine. This variant is not present in population databases (ExAC no frequency). This variant has not been reported in the literature in individuals with SCN9A-related conditions. Algorithms developed to predict the effect of missense changes on protein structure and function are either unavailable or do not agree on the potential impact of this missense change (SIFT: "Deleterious"; PolyPhen-2: "Benign"; Align-GVGD: "Class C0"). In summary, the available evidence is currently insufficient to determine the role of this variant in disease. Therefore, it has been classified as a Variant of Uncertain Significance.

NM_001365536.1(SCN9A):c.3398C>T (p.Pro1133Leu)

Genes: SCN1A-AS1 (SCN1A and SCN9A antisense RNA 1; plus strand), SCN9A (sodium voltage-gated channel alpha subunit 9; minus strand). Cytogenetic location: 2q24.3.
Variant type: single nucleotide variant.
Coding change: c.3398C>T on transcript NM_001365536.1 (MANE Select); coding-DNA position 3398, C replaced by T.
Protein change: p.Pro1133Leu; replaces proline 1133 with leucine.
Molecular consequence: missense variant. On other transcripts: non-coding transcript variant (1).
Genome position (GRCh38, 1-based): chr2:166,251,839, G>A on the plus strand (C>T on the coding strand, the complement: SCN9A is on the minus strand). VCF-style: chr2-166251839-G-A. GRCh37 (hg19) VCF-style: chr2-167108349-G-A.
Other names: c.3365C>T, p.Pro1122Leu (NM_002977.4); short protein forms P1122L, P1133L.
Identifiers: ClinVar variation 1352629 (VCV001352629.10), dbSNP rs2106426457, ClinGen allele CA349072024.
Genomic context (GRCh38, chr2:166,251,839, plus strand): 5'-GCCTCTGGCTCATCGGAATTCATAGGTTCAGCCTCTGCTTCTTCTCCTTCTCCAGGCAAA[G>A]GGTTATCAACTGTGCTGCACTCTGAGGAGCTTGACCGGTTTAATCTCTAGAAAGGAATTC-3'
Protein context (NP_001352465.1, residues 1123-1143): SSSECSTVDN[Pro1133Leu]LPGEGEEAEA